The following is an entry in ClinVar:

NM_000257.4(MYH7):c.4681del (p.Ala1561fs)

Genes: MHRT (myosin heavy chain associated RNA transcript; plus strand), MYH7 (myosin heavy chain 7; minus strand), LOC126861897 (BRD4-independent group 4 enhancer GRCh37_chr14:23884455-23885654; plus strand). Cytogenetic location: 14q11.2.
Variant type: Deletion.
Coding change: c.4681del on transcript NM_000257.4 (MANE Select); coding-DNA position 4681, one base deleted (G; older notation c.4681delG).
Protein change: p.Ala1561fs; shifts the reading frame from alanine 1561.
Molecular consequence: frameshift variant. On other transcripts: non-coding transcript variant (1).
Genome position (GRCh38, 1-based): chr14:23,416,276, C deleted on the plus strand (G on the coding strand, the reverse complement: MYH7 is on the minus strand); the first of 3 consecutive C bases (chr14:23,416,276-23,416,278); deleting any one gives the same sequence. VCF-style (leftmost placement, unchanged base first): chr14-23416275-GC-G. GRCh37 (hg19) VCF-style: chr14-23885484-GC-G.
Other names: c.4681del, p.Ala1561fs (NM_001407004.1); short protein forms A1561fs.
Identifiers: ClinVar variation 3387290 (VCV003387290.1).

ClinVar aggregate classification (germline): Uncertain significance (1 of 4 stars; one submission).

Conditions:
Cardiomyopathy (CMYO). Also called: Cardiomyopathies. Identifiers: Orphanet 167848, MedGen C0878544, MONDO:0004994, HP:0001638. Inheritance: Various modes of inheritance.

Submission:

All of Us Research Program, National Institutes of Health
Classification: Uncertain significance for Cardiomyopathy. Last evaluated: 2024-08-13. Review status: criteria provided, single submitter. Criteria: ACMG Guidelines, 2015. Collection method: clinical testing. Allele origin: germline. Inheritance: Autosomal dominant inheritance. Observed: 1 variant allele, 1 heterozygote.
Comment: This variant deletes 1 nucleotide in exon 34 of the MYH7 gene, creating a frameshift and premature translation stop signal. This variant is expected to result in an absent or non-functional protein product. To our knowledge, this variant has not been reported in individuals affected with MYH7-related disorders in the literature. This variant has been identified in 1/251070 chromosomes in the general population by the Genome Aggregation Database (gnomAD). Clinical relevance of loss-of-function MYH7 truncation variants in autosomal dominant cardiovascular disorders is not clearly established. The available evidence is insufficient to determine the role of this variant in disease conclusively. Therefore, this variant is classified as a Variant of Uncertain Significance.

This study involves interpretation of variants in research participants for the purpose of population health screening. Participant phenotype was not available at the time of variant classification. Additional details can be found in publication PMID: 35346344, PMCID: PMC8962531